The following is an entry in ClinVar:

ClinVar aggregate classification (germline): Likely benign (1 of 4 stars; one submission).

Allele frequency attached by ClinVar (database versions not stated): gnomAD 0.00002; ExAC 0.00022.
gnomAD v4.1: 109 of 1,209,862 alleles (0.009%); highest among the groups gnomAD compares: South Asian, 0.17%; no homozygotes.

Submission:

CeGaT Center for Human Genetics Tuebingen
Classification: Likely benign. Last evaluated: 2023-11-01. Review status: criteria provided, single submitter. Criteria: CeGaT Center For Human Genetics Tuebingen Variant Classification Criteria Version 2. Collection method: clinical testing. Allele origin: germline. Affected: yes. Observed: 1 variant allele.
Comment: BCORL1: BP4, BS2

NM_001379451.1(BCORL1):c.3269G>C (p.Arg1090Pro)

Gene: BCORL1 (BCL6 corepressor like 1; plus strand). Cytogenetic location: Xq26.1.
Variant type: single nucleotide variant.
Coding change: c.3269G>C on transcript NM_001379451.1 (MANE Select); coding-DNA position 3269, G replaced by C.
Protein change: p.Arg1090Pro; replaces arginine 1090 with proline.
Molecular consequence: missense variant.
Genome position (GRCh38, 1-based): chrX:130,016,041, G>C. VCF-style: chrX-130016041-G-C. GRCh37 (hg19) VCF-style: chrX-129150017-G-C.
Other names: c.3269G>C, p.Arg1090Pro (NM_001184772.3, NM_001379450.1, NM_021946.5); short protein forms R1090P.
Identifiers: ClinVar variation 2673259 (VCV002673259.23), dbSNP rs758108856, ClinGen allele CA10514465.
Genomic context (GRCh38, chrX:130,016,041, plus strand): 5'-GCCTCCCAGTGGCTCCCCAGAGGGGCCAAGCTGAAGTTCGGGCTAAGGCCGGGCAGGCTC[G>C]AGTGAAACAGGAAAGCGTAGGGGTCTTTGCTTGCAAGAACAAGTGGCAGCCAGATGATGT-3'
Protein context (NP_001366380.1, residues 1080-1100): AEVRAKAGQA[Arg1090Pro]VKQESVGVFA